The following is an entry in ClinVar:

ClinVar aggregate classification (germline): Uncertain significance (1 of 4 stars; one submission).

Submission:

Labcorp Genetics (formerly Invitae), Labcorp
Classification: Uncertain significance. Last evaluated: 2023-12-11. Review status: criteria provided, single submitter. Criteria: Invitae Variant Classification Sherloc (09022015). Collection method: clinical testing. Allele origin: germline.
Comment: This sequence change replaces glutamic acid, which is acidic and polar, with lysine, which is basic and polar, at codon 211 of the ACTN4 protein (p.Glu211Lys). This variant is not present in population databases (gnomAD no frequency). This variant has not been reported in the literature in individuals affected with ACTN4-related conditions. Advanced modeling of protein sequence and biophysical properties (such as structural, functional, and spatial information, amino acid conservation, physicochemical variation, residue mobility, and thermodynamic stability) performed at Invitae indicates that this missense variant is not expected to disrupt ACTN4 protein function with a negative predictive value of 80%. In summary, the available evidence is currently insufficient to determine the role of this variant in disease. Therefore, it has been classified as a Variant of Uncertain Significance.

NM_004924.6(ACTN4):c.631G>A (p.Glu211Lys)

Gene: ACTN4 (actinin alpha 4; plus strand). Cytogenetic location: 19q13.2.
Variant type: single nucleotide variant.
Coding change: c.631G>A on transcript NM_004924.6 (MANE Select); coding-DNA position 631, G replaced by A.
Protein change: p.Glu211Lys; replaces glutamic acid 211 with lysine.
Molecular consequence: missense variant.
Genome position (GRCh38, 1-based): chr19:38,708,175, G>A. VCF-style: chr19-38708175-G-A. GRCh37 (hg19) VCF-style: chr19-39198815-G-A.
Other names: c.631G>A, p.Glu211Lys (NM_001322033.2, NM_001411143.1); short protein forms E211K.
Identifiers: ClinVar variation 2757911 (VCV002757911.3), dbSNP rs2515210746, ClinGen allele CA405693488.